The following is an entry in ClinVar:

NM_198586.3(NHLRC1):c.602T>C (p.Phe201Ser)

Gene: NHLRC1 (NHL repeat containing E3 ubiquitin protein ligase 1; minus strand). Cytogenetic location: 6p22.3.
Variant type: single nucleotide variant.
Coding change: c.602T>C on transcript NM_198586.3 (MANE Select); coding-DNA position 602, T replaced by C.
Protein change: p.Phe201Ser; replaces phenylalanine 201 with serine.
Molecular consequence: missense variant.
Genome position (GRCh38, 1-based): chr6:18,122,005, A>G on the plus strand (T>C on the coding strand, the complement: NHLRC1 is on the minus strand). VCF-style: chr6-18122005-A-G. GRCh37 (hg19) VCF-style: chr6-18122236-A-G.
Other names: short protein forms F201S.
Identifiers: ClinVar variation 3340092 (VCV003340092.2).

ClinVar aggregate classification (germline): Likely pathogenic (0 of 4 stars; one submission).

Conditions:
Lafora disease. Also called: Epilepsy progressive myoclonic 2. Identifiers: Orphanet 501, MedGen C0751783, MONDO:0009697.

Submission:

Centre de Recherche et de Formation en Génétique Médicale et en Neurosciences, Université des Sciences, des Techniques et des Technologies de Bamako
Classification: Likely pathogenic for Lafora disease. Last evaluated: 2024-08-30. Review status: no assertion criteria provided. Collection method: case-control. Allele origin: germline. Inheritance: Autosomal recessive inheritance. Affected: yes. Observed: 1 homozygote.
Comment: PP3 (Strong): MetaRNN = 0.978 is greater than 0.939 ⇒ strong pathogenic PM2 (Supporting): variant not found in gnomAD genomes, good gnomAD genomes coverage = 32.3. Variant not found in gnomAD exomes, good gnomAD exomes coverage = 83.6. PP1 (Supporting): Cosegregation with phenotype in multiple affected family members in gene NHLRC1 which is associated with Apraxia, Ataxia, Atonic Seizure, Atypical Absence Seizure, Bilateral Tonic-Clonic Seizure and 36 more, according to ClinGen Disease Validity, GenCC, Mondo and PanelApp. PP2 (Supporting): 28 out of 29 non-VUS missense variants in gene NHLRC1 are pathogenic = 96.6% which is more than threshold of 80.8%.

Literature cited by the submitters: DOI 10.1002/humu.20954.